The following is an entry in ClinVar:

NM_015705.6(SGSM3):c.58T>C (p.Trp20Arg)

Gene: SGSM3 (small G protein signaling modulator 3; plus strand). Cytogenetic location: 22q13.1.
Variant type: single nucleotide variant.
Coding change: c.58T>C on transcript NM_015705.6 (MANE Select); coding-DNA position 58, T replaced by C.
Protein change: p.Trp20Arg; replaces tryptophan 20 with arginine.
Molecular consequence: missense variant. On other transcripts: 5 prime UTR variant (2), non-coding transcript variant (2), intron variant (6).
Genome position (GRCh38, 1-based): chr22:40,401,643, T>C. VCF-style: chr22-40401643-T-C. GRCh37 (hg19) VCF-style: chr22-40797647-T-C.
Other names: c.58T>C, p.Trp20Arg (NM_001350039.2, NM_001350040.2, NM_001350041.2); c.-70T>C (NM_001350042.2, NM_001350045.2); c.-455-496T>C (NM_001350048.2); c.-111-496T>C (NM_001350043.2, NM_001350046.2, NM_001350047.2); c.-37-496T>C (NM_001350044.2, NM_001301849.2); short protein forms W20R.
Identifiers: ClinVar variation 782757 (VCV000782757.11), dbSNP rs9611338, ClinGen allele CA10248043.
Genomic context (GRCh38, chr22:40,401,643, plus strand): 5'-TTGGTTTTAGGAAGCCATACACCTGCCTGTGGCCCTTTCTCAGCCCTGACTCCGAGCATA[T>C]GGCCCCAGGAGATCTTGGCCAAGTACACGCAGGTATAGCAGTTAGCCAGGCACCAGCCTG-3'
Protein context (NP_056520.2, residues 10-30): GPFSALTPSI[Trp20Arg]PQEILAKYTQ

ClinVar aggregate classification (germline): Benign. Review status: criteria provided, multiple submitters, no conflicts (2 of 4 stars). 3 submissions from 3 submitters: Benign (3). Last evaluated 2026-08-01.

Allele frequency attached by ClinVar (database versions not stated): 1000 Genomes Project 0.00200; 1000 Genomes Project 30x 0.00234; ExAC 0.00565; TOPMed 0.00620; gnomAD 0.00658 and 0.00668; ESP Exome Variant Server 0.00807.
gnomAD v4.1: 15,504 of 1,613,356 alleles (0.96%); highest among the groups gnomAD compares: Non-Finnish European, 1.2%; 105 homozygotes.

Submissions (3):

CeGaT Center for Human Genetics Tuebingen
Classification: Benign. Last evaluated: 2026-08-01. Review status: criteria provided, single submitter. Criteria: CeGaT Center For Human Genetics Tuebingen Variant Classification Criteria Version 2. Collection method: clinical testing. Allele origin: germline. Affected: yes. Observed: 17 variant alleles.
Comment: SGSM3: BS1, BS2

Labcorp Genetics (formerly Invitae), Labcorp
Classification: Benign. Last evaluated: 2018-02-07. Review status: criteria provided, single submitter. Criteria: Invitae Variant Classification Sherloc (09022015). Collection method: clinical testing. Allele origin: germline.

Breakthrough Genomics
Classification: Benign. Review status: criteria provided, single submitter. Criteria: ACMG Guidelines, 2015. Collection method: not provided. Allele origin: germline. Inheritance: Unknown mechanism. Affected: yes.